The following is an entry in ClinVar:

NM_000133.4(F9):c.163T>A (p.Phe55Ile)

Gene: F9 (coagulation factor IX; plus strand). Cytogenetic location: Xq27.1.
Variant type: single nucleotide variant.
Coding change: c.163T>A on transcript NM_000133.4 (MANE Select); coding-DNA position 163, T replaced by A.
Protein change: p.Phe55Ile; replaces phenylalanine 55 with isoleucine.
Molecular consequence: missense variant.
Genome position (GRCh38, 1-based): chrX:139,537,084, T>A. VCF-style: chrX-139537084-T-A. GRCh37 (hg19) VCF-style: chrX-138619243-T-A.
Other names: c.163T>A, p.Phe55Ile (NM_001313913.2); c.163T>A (NM_000133.3); short protein forms F55I.
Identifiers: ClinVar variation 1069182 (VCV001069182.14), dbSNP rs759987427, ClinGen allele CA10529741.
Genomic context (GRCh38, chrX:139,537,084, plus strand): 5'-GAAAACGCCAACAAAATTCTGAATCGGCCAAAGAGGTATAATTCAGGTAAATTGGAAGAG[T>A]TTGTTCAAGGGAACCTTGAGAGAGAATGTATGGAAGAAAAGTGTAGTTTTGAAGAAGCAC-3'
Protein context (NP_000124.1, residues 45-65): KRYNSGKLEE[Phe55Ile]VQGNLERECM

ClinVar aggregate classification (germline): Pathogenic/Likely pathogenic. Review status: criteria provided, multiple submitters, no conflicts (2 of 4 stars). 6 submissions from 6 submitters: Pathogenic (4); Likely pathogenic (2). Last evaluated 2026-04-22.

Conditions:
Hereditary factor IX deficiency disease (HEMB). Also called: F9 DEFICIENCY; FACTOR IX DEFICIENCY; Christmas Disease; PLASMA THROMBOPLASTIN COMPONENT DEFICIENCY; Hemophilia B. Identifiers: Orphanet 98879, MedGen C0008533, MeSH D002836, MONDO:0010604, OMIM 306900.
Warfarin sensitivity, X-linked. Also called: COUMARIN SENSITIVITY, X-LINKED. Identifiers: MedGen C5393318, OMIM 301052, MONDO:0026768.
Thrombophilia, X-linked, due to factor 9 defect. Identifiers: MedGen C2749016, MONDO:0010432, OMIM 300807.

Allele frequency attached by ClinVar (database versions not stated): ExAC 0.00001; gnomAD 0.00002; gnomAD exomes 0.00001; TOPMed 0.00001.
gnomAD v4.1: 8 of 1,208,545 alleles (0.00066%); highest among the groups gnomAD compares: Non-Finnish European, 0.00089%; no homozygotes.

Submissions (6):

GeneDx
Classification: Pathogenic. Last evaluated: 2026-04-22. Review status: criteria provided, single submitter. Criteria: GeneDx Variant Classification Process June 2021. Collection method: clinical testing. Allele origin: germline.
Comment: Not observed at significant frequency in large population cohorts (gnomAD); In silico analysis suggests that this missense variant does not alter protein structure/function; This variant is associated with the following publications: (PMID: 15921378, 37647632, 29517974, 10595634, 19699296, 8091381, 30817849, 7937052)

Labcorp Genetics (formerly Invitae), Labcorp
Classification: Pathogenic for Thrombophilia, X-linked, due to factor 9 defect; Hereditary factor IX deficiency disease. Last evaluated: 2026-01-20. Review status: criteria provided, single submitter. Criteria: Invitae Variant Classification Sherloc (09022015). Collection method: clinical testing. Allele origin: germline.
Comment: This sequence change replaces phenylalanine, which is neutral and non-polar, with isoleucine, which is neutral and non-polar, at codon 55 of the F9 protein (p.Phe55Ile). This variant is present in population databases (rs759987427, gnomAD 0.001%). This missense change has been observed in individuals with Hemophilia B (PMID: 8091381, 10595634, 15921378, 19699296). This variant is also known as p.Phe9Ile. ClinVar contains an entry for this variant (Variation ID: 1069182). Invitae Evidence Modeling of protein sequence and biophysical properties (such as structural, functional, and spatial information, amino acid conservation, physicochemical variation, residue mobility, and thermodynamic stability) has been performed for this missense variant. However, the output from this modeling did not meet the statistical confidence thresholds required to predict the impact of this variant on F9 protein function. This variant disrupts the p.Phe55 amino acid residue in F9. Other variant(s) that disrupt this residue have been observed in individuals with F9-related conditions (PMID: 10647899, 22639855), which suggests that this may be a clinically significant amino acid residue. For these reasons, this variant has been classified as Pathogenic.

Women's Health and Genetics/Laboratory Corporation of America, LabCorp
Classification: Pathogenic for Hereditary factor IX deficiency disease. Last evaluated: 2025-07-21. Review status: criteria provided, single submitter. Criteria: LabCorp Variant Classification Summary - May 2015. Collection method: clinical testing. Allele origin: germline.
Comment: Variant summary: F9 c.163T>A (p.Phe55Ile) results in a non-conservative amino acid change in the encoded protein sequence. Algorithms developed to predict the effect of missense changes on protein structure and function are either unavailable or do not agree on the potential impact of this missense change. The variant allele was found at a frequency of 5.5e-06 in 182809 control chromosomes. c.163T>A has been observed in multiple individuals affected with Factor IX Deficiency (Hemophilia B) (example: Chavali_2009, Belvin_2005, Bicocchi_2003, Costa_2000, Giannelli_1994). These data indicate that the variant is very likely to be associated with disease. The following publications have been ascertained in the context of this evaluation (PMID: 15921378, 7937052, 19699296, 12687663, 10739381). ClinVar contains an entry for this variant (Variation ID: 1069182). Based on the evidence outlined above, the variant was classified as pathogenic.

Myriad Genetics, Inc.
Classification: Pathogenic for Hereditary factor IX deficiency disease. Last evaluated: 2025-05-23. Review status: criteria provided, single submitter. Criteria: Myriad Autosomal Dominant, Autosomal Recessive and X-Linked Classification Criteria (2023). Collection method: clinical testing. Allele origin: unknown.
Comment: NM_000133.3(F9):c.163T>A(F55I) is a missense variant classified as pathogenic in the context of hemophilia B. F55I has been observed in cases with relevant disease (PMID: 8091381, 10595634, 15921378, 10739381). Relevant functional assessments of this variant are not available in the literature. F55I has been observed in referenced population frequency databases. In summary, NM_000133.3(F9):c.163T>A(F55I) is a missense variant that has been observed more frequently in cases with the relevant disease than in healthy populations. Please note: this variant was assessed in the context of healthy population screening.

Natera, Inc.
Classification: Likely pathogenic for Hemophilia B. Last evaluated: 2025-03-28. Review status: criteria provided, single submitter. Criteria: Natera Variant Classification Schema (03/2026). Collection method: clinical testing. Allele origin: germline.
Comment: The c.163T>A variant in F9 is a missense variant predicted to cause substitution of phenylalanine to isoleucine at amino acid 55. This variant is rare in the general population with a frequency below the threshold expected for the associated phenotype(s). This variant has been observed in affected individual(s) with monoallelic occurrence (heterozygous/hemizygous) (PMID: 10595634, 15921378, 37647632). Computational prediction algorithms indicate this variant is likely to affect gene or protein function. Given the available evidence, this variant is classified as Likely Pathogenic.

Fulgent Genetics
Classification: Likely pathogenic for Thrombophilia, X-linked, due to factor 9 defect; Warfarin sensitivity, X-linked; Hereditary factor IX deficiency disease. Last evaluated: 2024-04-27. Review status: criteria provided, single submitter. Criteria: ACMG Guidelines, 2015. Collection method: clinical testing. Allele origin: germline.

Literature cited by the submitters: PubMed 8091381 (cited by Labcorp Genetics (formerly Invitae), Labcorp and Myriad Genetics, Inc.); PubMed 10595634 (cited by 3 submitters); PubMed 15921378 (cited by 4 submitters); PubMed 19699296 (cited by Labcorp Genetics (formerly Invitae), Labcorp and Women's Health and Genetics/Laboratory Corporation of America, LabCorp); PubMed 10647899 (cited by Labcorp Genetics (formerly Invitae), Labcorp); PubMed 22639855 (cited by Labcorp Genetics (formerly Invitae), Labcorp); PubMed 7937052 (cited by Women's Health and Genetics/Laboratory Corporation of America, LabCorp); PubMed 12687663 (cited by Women's Health and Genetics/Laboratory Corporation of America, LabCorp); PubMed 10739381 (cited by Women's Health and Genetics/Laboratory Corporation of America, LabCorp and Myriad Genetics, Inc.); PubMed 37647632 (cited by Natera, Inc.).